The following is an entry in ClinVar:

NM_000063.6(C2):c.2168C>T (p.Pro723Leu)

Gene: C2 (complement C2; plus strand). Cytogenetic location: 6p21.33.
Variant type: single nucleotide variant.
Coding change: c.2168C>T on transcript NM_000063.6 (MANE Select); coding-DNA position 2168, C replaced by T.
Protein change: p.Pro723Leu; replaces proline 723 with leucine.
Molecular consequence: missense variant.
Genome position (GRCh38, 1-based): chr6:31,945,266, C>T. VCF-style: chr6-31945266-C-T. GRCh37 (hg19) VCF-style: chr6-31913043-C-T.
Other names: c.1772C>T, p.Pro591Leu (NM_001145903.3); c.1526C>T, p.Pro509Leu (NM_001178063.3); c.1430C>T, p.Pro477Leu (NM_001282457.2); c.2081C>T, p.Pro694Leu (NM_001282458.2); short protein forms P694L, P723L, P477L, P509L, P591L.
Identifiers: ClinVar variation 1504046 (VCV001504046.6), dbSNP rs749196268, ClinGen allele CA3727897.

ClinVar aggregate classification (germline): Uncertain significance (1 of 4 stars; one submission).

Allele frequency attached by ClinVar (database versions not stated): gnomAD 0.00001; gnomAD exomes 0.00001 and 0.00002; TOPMed 0.00001; ExAC 0.00003.
gnomAD v4.1: 20 of 1,612,890 alleles (0.0012%); highest among the groups gnomAD compares: Admixed American, 0.0033%; no homozygotes.

Submission:

Labcorp Genetics (formerly Invitae), Labcorp
Classification: Uncertain significance. Last evaluated: 2022-12-06. Review status: criteria provided, single submitter. Criteria: Invitae Variant Classification Sherloc (09022015). Collection method: clinical testing. Allele origin: germline.
Comment: In summary, the available evidence is currently insufficient to determine the role of this variant in disease. Therefore, it has been classified as a Variant of Uncertain Significance. Advanced modeling of protein sequence and biophysical properties (such as structural, functional, and spatial information, amino acid conservation, physicochemical variation, residue mobility, and thermodynamic stability) performed at Invitae indicates that this missense variant is not expected to disrupt C2 protein function. ClinVar contains an entry for this variant (Variation ID: 1504046). This variant has not been reported in the literature in individuals affected with C2-related conditions. This variant is present in population databases (rs749196268, gnomAD 0.01%). This sequence change replaces proline, which is neutral and non-polar, with leucine, which is neutral and non-polar, at codon 723 of the C2 protein (p.Pro723Leu).